The following is an entry in ClinVar:

ClinVar aggregate classification (germline): Uncertain significance (1 of 4 stars; one submission).

Submission:

Labcorp Genetics (formerly Invitae), Labcorp
Classification: Uncertain significance. Last evaluated: 2024-08-10. Review status: criteria provided, single submitter. Criteria: Invitae Variant Classification Sherloc (09022015). Collection method: clinical testing. Allele origin: germline.
Comment: This sequence change replaces glycine, which is neutral and non-polar, with glutamic acid, which is acidic and polar, at codon 1325 of the RP1 protein (p.Gly1325Glu). This variant is not present in population databases (gnomAD no frequency). This variant has not been reported in the literature in individuals affected with RP1-related conditions. An algorithm developed to predict the effect of missense changes on protein structure and function outputs the following: PolyPhen-2: "Benign". The glutamic acid amino acid residue is found in multiple mammalian species, which suggests that this missense change does not adversely affect protein function. In summary, the available evidence is currently insufficient to determine the role of this variant in disease. Therefore, it has been classified as a Variant of Uncertain Significance.

NM_006269.2(RP1):c.3974G>A (p.Gly1325Glu)

Gene: RP1 (RP1 axonemal microtubule associated; plus strand). Cytogenetic location: 8q12.1.
Variant type: single nucleotide variant.
Coding change: c.3974G>A on transcript NM_006269.2 (MANE Select); coding-DNA position 3974, G replaced by A.
Protein change: p.Gly1325Glu; replaces glycine 1325 with glutamic acid.
Molecular consequence: missense variant. On other transcripts: intron variant (1).
Genome position (GRCh38, 1-based): chr8:54,627,856, G>A. VCF-style: chr8-54627856-G-A. GRCh37 (hg19) VCF-style: chr8-55540416-G-A.
Other names: c.787+5568G>A (NM_001375654.1); short protein forms G1325E.
Identifiers: ClinVar variation 3692596 (VCV003692596.2).